The following is an entry in ClinVar:

NM_000051.4(ATM):c.7844A>C (p.Gln2615Pro)

Genes: ATM (ATM serine/threonine kinase; plus strand), C11orf65 (chromosome 11 open reading frame 65; minus strand). Cytogenetic location: 11q22.3.
Variant type: single nucleotide variant.
Coding change: c.7844A>C on transcript NM_000051.4 (MANE Select); coding-DNA position 7844, A replaced by C.
Protein change: p.Gln2615Pro; replaces glutamine 2615 with proline.
Molecular consequence: missense variant. On other transcripts: intron variant (2).
Genome position (GRCh38, 1-based): chr11:108,332,817, A>C. VCF-style: chr11-108332817-A-C. GRCh37 (hg19) VCF-style: chr11-108203544-A-C.
Other names: c.7844A>C, p.Gln2615Pro (NM_001351834.2); c.641-23746T>G (NM_001330368.2); c.*38+2403T>G (NM_001351110.2); short protein forms Q2615P.
Identifiers: ClinVar variation 4747265 (VCV004747265.1).

ClinVar aggregate classification (germline): Uncertain significance (1 of 4 stars; one submission).

Conditions:
Ataxia-telangiectasia syndrome (AT). Also called: LOUIS-BAR SYNDROME; Cerebello-oculocutaneous telangiectasia; Immunodeficiency with ataxia telangiectasia; Ataxia-telangiectasia, complementation group D; AT, COMPLEMENTATION GROUP C; ATAXIA-TELANGIECTASIA, COMPLEMENTATION GROUP A. Identifiers: Orphanet 100, MedGen C0004135, MONDO:0008840, OMIM 208900.

Submission:

Labcorp Genetics (formerly Invitae), Labcorp
Classification: Uncertain significance for Ataxia-telangiectasia syndrome. Last evaluated: 2025-07-30. Review status: criteria provided, single submitter. Criteria: Invitae Variant Classification Sherloc (09022015). Collection method: clinical testing. Allele origin: germline.
Comment: This sequence change replaces glutamine, which is neutral and polar, with proline, which is neutral and non-polar, at codon 2615 of the ATM protein (p.Gln2615Pro). This variant is not present in population databases (gnomAD no frequency). This variant has not been reported in the literature in individuals affected with ATM-related conditions. Invitae Evidence Modeling of protein sequence and biophysical properties (such as structural, functional, and spatial information, amino acid conservation, physicochemical variation, residue mobility, and thermodynamic stability) indicates that this missense variant is not expected to disrupt ATM protein function with a negative predictive value of 95%. In summary, the available evidence is currently insufficient to determine the role of this variant in disease. Therefore, it has been classified as a Variant of Uncertain Significance.